The following is an entry in ClinVar:

NM_001631.5(ALPI):c.744C>T (p.Asp248=)

Gene: ALPI (alkaline phosphatase, intestinal; plus strand). Cytogenetic location: 2q37.1.
Variant type: single nucleotide variant.
Coding change: c.744C>T on transcript NM_001631.5 (MANE Select); coding-DNA position 744, C replaced by T.
Protein change: p.Asp248=; no amino-acid change (aspartic acid 248 retained).
Molecular consequence: synonymous variant.
Genome position (GRCh38, 1-based): chr2:232,457,660, C>T. VCF-style: chr2-232457660-C-T. GRCh37 (hg19) VCF-style: chr2-233322370-C-T.
Other names: p.Asp248=.
Identifiers: ClinVar variation 3052933 (VCV003052933.4), dbSNP rs141754817, ClinGen allele CA2166482.

ClinVar aggregate classification (germline): Likely benign. Review status: criteria provided, multiple submitters, no conflicts (2 of 4 stars). 3 submissions from 3 submitters: Likely benign (2). 1 of the submissions does not count toward it. Last evaluated 2025-06-05.

Conditions:
ALPI-related disorder. Also called: ALPI-related condition.

Allele frequency attached by ClinVar (database versions not stated): TOPMed 0.00016; gnomAD exomes 0.00019; gnomAD 0.00024; ExAC 0.00027; ESP Exome Variant Server 0.00054.
gnomAD v4.1: 318 of 1,613,646 alleles (0.02%); highest among the groups gnomAD compares: Non-Finnish European, 0.023%; 1 homozygote.

Submissions (3):

Mayo Clinic Laboratories, Mayo Clinic
Classification: Likely benign. Last evaluated: 2025-06-05. Review status: criteria provided, single submitter. Criteria: ACMG Guidelines, 2015. Collection method: clinical testing. Allele origin: germline. Observed: 1 variant allele.
Comment: BP4, BP7

Blueprint Genetics
Classification: Likely benign. Last evaluated: 2024-11-19. Review status: criteria provided, single submitter. Criteria: ACMG Guidelines, 2015. Collection method: clinical testing. Allele origin: germline.

PreventionGenetics, part of Exact Sciences
Classification: Likely benign for ALPI-related condition. Last evaluated: 2019-09-04. Review status: no assertion criteria provided. Collection method: clinical testing. Allele origin: germline. Not counted in ClinVar's aggregate classification.
Comment: This variant is classified as likely benign based on ACMG/AMP sequence variant interpretation guidelines (Richards et al. 2015 PMID: 25741868, with internal and published modifications).